The following is an entry in ClinVar:

NM_001105206.3(LAMA4):c.1082dup (p.Asn361fs)

Gene: LAMA4 (laminin subunit alpha 4; minus strand). Cytogenetic location: 6q21.
Variant type: Duplication.
Coding change: c.1082dup on transcript NM_001105206.3 (MANE Select); coding-DNA position 1082, one base duplicated (A; older notation c.1082dupA).
Protein change: p.Asn361fs; shifts the reading frame from asparagine 361.
Molecular consequence: frameshift variant.
Genome position (GRCh38, 1-based): chr6:112,178,228, T duplicated on the plus strand (A on the coding strand, the reverse complement: LAMA4 is on the minus strand); the first of 4 consecutive T bases (chr6:112,178,228-112,178,231); duplicating any one gives the same sequence. VCF-style (leftmost placement, unchanged base first): chr6-112178227-A-AT. GRCh37 (hg19) VCF-style: chr6-112499429-A-AT.
Other names: c.1061dup, p.Asn354fs (NM_001105207.3, NM_002290.5); c.1061dupA (NM_002290.4); short protein forms N354fs, N361fs.
Identifiers: ClinVar variation 575788 (VCV000575788.8), dbSNP rs1562698762, ClinGen allele CA891842820.

ClinVar aggregate classification (germline): Uncertain significance (1 of 4 stars; one submission).

Conditions:
Dilated cardiomyopathy 1JJ (CMD1JJ). Identifiers: Orphanet 154, MedGen C3808935, MONDO:0014095, OMIM 615235.

Submission:

Labcorp Genetics (formerly Invitae), Labcorp
Classification: Uncertain significance for Dilated cardiomyopathy 1JJ. Last evaluated: 2019-05-07. Review status: criteria provided, single submitter. Criteria: Invitae Variant Classification Sherloc (09022015). Collection method: clinical testing. Allele origin: germline.
Comment: This sequence change creates a premature translational stop signal (p.Asn354Lysfs*19) in the LAMA4 gene. It is expected to result in an absent or disrupted protein product. This variant is not present in population databases (ExAC no frequency). This variant has not been reported in the literature in individuals with LAMA4-related disease. The current clinical and genetic evidence is not sufficient to establish whether loss-of-function variants in LAMA4 cause disease. In summary, the available evidence is currently insufficient to determine the role of this variant in disease. Therefore, it has been classified as a Variant of Uncertain Significance.